The following is an entry in ClinVar:

ClinVar aggregate classification (germline): Uncertain significance (1 of 4 stars; one submission).

Conditions:
Hypogonadotropic hypogonadism 20 with or without anosmia (HH20). Also called: HYPOGONADOTROPIC HYPOGONADISM 20 WITH ANOSMIA, SUSCEPTIBILITY TO; HYPOGONADOTROPIC HYPOGONADISM 20 WITH ANOSMIA. Identifiers: Orphanet 478, MedGen C3808983, MONDO:0014106, OMIM 615270.

gnomAD v4.1: 8 of 1,598,364 alleles (0.0005%); highest among the groups gnomAD compares: East Asian, 0.011%; no homozygotes.

Submission:

Juno Genomics, Hangzhou Juno Genomics, Inc
Classification: Uncertain significance for Hypogonadotropic hypogonadism 20 with or without anosmia. Review status: criteria provided, single submitter. Criteria: ACMG Guidelines, 2015. Collection method: clinical testing. Allele origin: germline. Affected: yes.
Comment: Absent from controls (or at extremely low frequency if recessive) in Genome Aggregation Database.;The prevalence of the variant in affected individuals is significantly increased compared to the prevalence in controls.;Patient's phenotype or family history is highly specific for a disease with a single genetic etiology.

NM_003867.4(FGF17):c.359C>T (p.Pro120Leu)

Gene: FGF17 (fibroblast growth factor 17; plus strand). Cytogenetic location: 8p21.3.
Variant type: single nucleotide variant.
Coding change: c.359C>T on transcript NM_003867.4 (MANE Select); coding-DNA position 359, C replaced by T.
Protein change: p.Pro120Leu; replaces proline 120 with leucine.
Molecular consequence: missense variant.
Genome position (GRCh38, 1-based): chr8:22,047,957, C>T. VCF-style: chr8-22047957-C-T. GRCh37 (hg19) VCF-style: chr8-21905468-C-T.
Other names: c.326C>T, p.Pro109Leu (NM_001304478.1); short protein forms P109L, P120L.
Identifiers: ClinVar variation 4072421 (VCV004072421.3).